The following is an entry in ClinVar:

ClinVar aggregate classification (germline): Uncertain significance (1 of 4 stars; one submission).

Submission:

Labcorp Genetics (formerly Invitae), Labcorp
Classification: Uncertain significance. Last evaluated: 2022-04-25. Review status: criteria provided, single submitter. Criteria: Invitae Variant Classification Sherloc (09022015). Collection method: clinical testing. Allele origin: germline.
Comment: In summary, the available evidence is currently insufficient to determine the role of this variant in disease. Therefore, it has been classified as a Variant of Uncertain Significance. Algorithms developed to predict the effect of sequence changes on RNA splicing suggest that this variant may disrupt the consensus splice site. This variant has not been reported in the literature in individuals affected with IL23R-related conditions. This variant is not present in population databases (gnomAD no frequency). This sequence change falls in intron 5 of the IL23R gene. It does not directly change the encoded amino acid sequence of the IL23R protein.

NM_144701.3(IL23R):c.653-15_653-5del

Gene: IL23R (interleukin 23 receptor; plus strand). Cytogenetic location: 1p31.3.
Variant type: Deletion.
Coding change: c.653-15_653-5del on transcript NM_144701.3 (MANE Select); 15 bases into the intron before coding-DNA position 653 through 5 bases into the intron before coding-DNA position 653, 11 bases deleted (TTTTTTTTTTT).
Molecular consequence: intron variant.
Genome position (GRCh38, 1-based): chr1:67,206,895-67,206,905, TTTTTTTTTTT deleted; deleting any 11 consecutive bases within chr1:67,206,885-67,206,905 gives the same sequence; the c. name uses the placement nearest the transcript's 3' end. VCF-style (leftmost placement, unchanged base first): chr1-67206884-CTTTTTTTTTTT-C. GRCh37 (hg19) VCF-style: chr1-67672567-CTTTTTTTTTTT-C.
Identifiers: ClinVar variation 1969099 (VCV001969099.5), dbSNP rs557919248, ClinGen allele CA738053312.